The following is an entry in ClinVar:

NM_032383.5(HPS3):c.444_446del (p.Leu149del)

Gene: HPS3 (HPS3 biogenesis of lysosomal organelles complex 2 subunit 1; plus strand). Cytogenetic location: 3q24.
Variant type: Deletion.
Coding change: c.444_446del on transcript NM_032383.5 (MANE Select); coding-DNA positions 444 to 446, 3 bases deleted (TCT; older notation c.444_446delTCT).
Protein change: p.Leu149del; deletes leucine 149.
Molecular consequence: inframe deletion. On other transcripts: intron variant (1).
Genome position (GRCh38, 1-based): chr3:149,140,230-149,140,232, TCT deleted; deleting any 3 consecutive bases within chr3:149,140,228-149,140,232 gives the same sequence; the c. name uses the placement nearest the transcript's 3' end. VCF-style (leftmost placement, unchanged base first): chr3-149140227-CCTT-C. GRCh37 (hg19) VCF-style: chr3-148858014-CCTT-C.
Other names: c.218-787_218-785del (NM_001308258.2); short protein forms L149del.
Identifiers: ClinVar variation 2147126 (VCV002147126.2), dbSNP rs770488643, ClinGen allele CA2659812.

ClinVar aggregate classification (germline): Uncertain significance. Review status: criteria provided, multiple submitters, no conflicts (2 of 4 stars). 2 submissions from 2 submitters: Uncertain significance (2). Last evaluated 2025-10-31.

Conditions:
Hermansky-Pudlak syndrome 3 (HPS3). Identifiers: Orphanet 231512, Orphanet 79430, MedGen C3888001, MONDO:0013555, OMIM 614072.

Submissions (2):

Myriad Genetics, Inc.
Classification: Uncertain significance for Hermansky-Pudlak syndrome 3. Last evaluated: 2025-10-31. Review status: criteria provided, single submitter. Criteria: Myriad Autosomal Dominant, Autosomal Recessive and X-Linked Classification Criteria (2023). Collection method: clinical testing. Allele origin: unknown.
Comment: NM_032383.3(HPS3):c.444_446delTCT(L149del) is an in-frame deletion classified as a variant of uncertain significance in the context of Hermansky-Pudlak syndrome, HPS3-related. L149del has not been observed in cases with relevant disease. Relevant functional assessments of this variant are not available in the literature. L149del has been observed in referenced population frequency databases. In summary, there is insufficient evidence to classify NM_032383.3(HPS3):c.444_446delTCT(L149del) as pathogenic or benign. Please note: this variant was assessed in the context of healthy population screening.

Labcorp Genetics (formerly Invitae), Labcorp
Classification: Uncertain significance. Last evaluated: 2022-10-13. Review status: criteria provided, single submitter. Criteria: Invitae Variant Classification Sherloc (09022015). Collection method: clinical testing. Allele origin: germline.
Comment: This variant, c.444_446del, results in the deletion of 1 amino acid(s) of the HPS3 protein (p.Leu149del), but otherwise preserves the integrity of the reading frame. This variant is present in population databases (rs770488643, gnomAD 0.003%). This variant has not been reported in the literature in individuals affected with HPS3-related conditions. Experimental studies and prediction algorithms are not available or were not evaluated, and the functional significance of this variant is currently unknown. In summary, the available evidence is currently insufficient to determine the role of this variant in disease. Therefore, it has been classified as a Variant of Uncertain Significance.